The following is an entry in ClinVar:

ClinVar aggregate classification (germline): Benign. Review status: criteria provided, multiple submitters, no conflicts (2 of 4 stars). 5 submissions from 5 submitters: Benign (4). 1 of the submissions does not count toward it. Last evaluated 2026-02-03.

Conditions:
Spastic paraplegia. Identifiers: MedGen C0037772, HP:0001258.

Allele frequency attached by ClinVar (database versions not stated): gnomAD exomes 0.11586 and 0.13098; ESP Exome Variant Server 0.11741; gnomAD 0.12040 and 0.12280; TOPMed 0.12517; ExAC 0.13221; 1000 Genomes Project 30x 0.14944; 1000 Genomes Project 0.15276.
gnomAD v4.1: 188,097 of 1,613,002 alleles (12%); highest among the groups gnomAD compares: East Asian, 16%; 11,529 homozygotes.

Submissions (5):

Labcorp Genetics (formerly Invitae), Labcorp
Classification: Benign for Spastic paraplegia. Last evaluated: 2026-02-03. Review status: criteria provided, single submitter. Criteria: Invitae Variant Classification Sherloc (09022015). Collection method: clinical testing. Allele origin: germline.

Mayo Clinic Laboratories, Mayo Clinic
Classification: Benign. Last evaluated: 2016-04-14. Review status: criteria provided, single submitter. Criteria: ACMG Guidelines, 2015. Collection method: clinical testing. Allele origin: germline. Observed: 387 variant alleles.

GeneDx
Classification: Benign. Last evaluated: 2016-01-22. Review status: criteria provided, single submitter. Criteria: GeneDx Variant Classification (06012015). Collection method: clinical testing. Allele origin: germline. Affected: yes.
Comment: This variant is considered likely benign or benign based on one or more of the following criteria: it is a conservative change, it occurs at a poorly conserved position in the protein, it is predicted to be benign by multiple in silico algorithms, and/or has population frequency not consistent with disease.

Breakthrough Genomics
Classification: Benign. Review status: criteria provided, single submitter. Criteria: ACMG Guidelines, 2015. Collection method: not provided. Allele origin: germline. Inheritance: Autosomal dominant inheritance. Affected: yes.

Genetic Services Laboratory, University of Chicago
Classification: Likely benign for AllHighlyPenetrant. Review status: no assertion criteria provided. Collection method: clinical testing. Allele origin: germline. Inheritance: Autosomal dominant inheritance. Not counted in ClinVar's aggregate classification.
Comment: Likely benign based on allele frequency in 1000 Genomes Project or ESP global frequency and its presence in a patient with a rare or unrelated disease phenotype. NOT Sanger confirmed.

NM_005619.5(RTN2):c.96T>C (p.Ser32=)

Genes: OPA3-RTN2 (OPA3-RTN2 readthrough; minus strand), RTN2 (reticulon 2; minus strand). Cytogenetic location: 19q13.32.
Variant type: single nucleotide variant.
Coding change: c.96T>C on transcript NM_005619.5 (MANE Select); coding-DNA position 96, T replaced by C.
Protein change: p.Ser32=; no amino-acid change (serine 32 retained).
Molecular consequence: synonymous variant.
Genome position (GRCh38, 1-based): chr19:45,494,989, A>G on the plus strand (T>C on the coding strand, the complement: RTN2 is on the minus strand). VCF-style: chr19-45494989-A-G. GRCh37 (hg19) VCF-style: chr19-45998247-A-G.
Other names: p.Ser32=; c.96T>C, p.Ser32= (NM_206900.3).
Identifiers: ClinVar variation 130163 (VCV000130163.16), dbSNP rs10401270, ClinGen allele CA154980.
Genomic context (GRCh38, chr19:45,494,989, plus strand): 5'-CGTGGTCTCCTCCTCGTCCTCCTCTGAGAATTCCCGGGCTGTGTGCAGCTCTCGAAAATC[A>G]GAGTCGTCGTTCCCTCCTGCAGTGGGTGAAGGAGAGCCTTGTTTCCCTCAGCAGGTCCCT-3'
Protein context (NP_005610.1, residues 22-42): PDSTEGGNDD[Ser32=]DFRELHTARE